The following is an entry in ClinVar:

NM_000751.3(CHRND):c.1238G>T (p.Arg413Leu)

Gene: CHRND (cholinergic receptor nicotinic delta subunit; plus strand). Cytogenetic location: 2q37.1.
Variant type: single nucleotide variant.
Coding change: c.1238G>T on transcript NM_000751.3 (MANE Select); coding-DNA position 1238, G replaced by T.
Protein change: p.Arg413Leu; replaces arginine 413 with leucine.
Molecular consequence: missense variant.
Genome position (GRCh38, 1-based): chr2:232,534,121, G>T. VCF-style: chr2-232534121-G-T. GRCh37 (hg19) VCF-style: chr2-233398831-G-T.
Other names: c.1193G>T, p.Arg398Leu (NM_001256657.2); c.656G>T, p.Arg219Leu (NM_001311195.2); c.935G>T, p.Arg312Leu (NM_001311196.2); short protein forms R219L, R312L, R398L, R413L.
Identifiers: ClinVar variation 2418687 (VCV002418687.6), dbSNP rs757950320, ClinGen allele CA351005321.
Genomic context (GRCh38, chr2:232,534,121, plus strand): 5'-TCAAGTCCCGCAGTGACCTCATGTTCGAGAAGCAGTCAGAGCGGCATGGGCTGGCCAGGC[G>T]CCTCACCACTGCACGTGGGTCCCCGCTGGTCTTGGTTTTCAGCCCATCTGTGGGAGGTGG-3'
Protein context (NP_000742.1, residues 403-423): KQSERHGLAR[Arg413Leu]LTTARRPPAS

ClinVar aggregate classification (germline): Uncertain significance (1 of 4 stars; one submission).

Conditions:
Lethal multiple pterygium syndrome (LMPS). Identifiers: Orphanet 33108, MedGen C1854678, MONDO:0009668, OMIM 253290.

Submission:

Labcorp Genetics (formerly Invitae), Labcorp
Classification: Uncertain significance for Lethal multiple pterygium syndrome. Last evaluated: 2022-06-25. Review status: criteria provided, single submitter. Criteria: Invitae Variant Classification Sherloc (09022015). Collection method: clinical testing. Allele origin: germline.
Comment: This variant has not been reported in the literature in individuals affected with CHRND-related conditions. Advanced modeling of protein sequence and biophysical properties (such as structural, functional, and spatial information, amino acid conservation, physicochemical variation, residue mobility, and thermodynamic stability) performed at Invitae indicates that this missense variant is not expected to disrupt CHRND protein function. This variant is not present in population databases (gnomAD no frequency). This sequence change replaces arginine, which is basic and polar, with leucine, which is neutral and non-polar, at codon 413 of the CHRND protein (p.Arg413Leu). In summary, the available evidence is currently insufficient to determine the role of this variant in disease. Therefore, it has been classified as a Variant of Uncertain Significance.